The following is an entry in ClinVar:

NM_000444.6(PHEX):c.2147+2_2147+9del

Genes: PHEX (phosphate regulating endopeptidase X-linked; plus strand), PTCHD1-AS (PTCHD1 and PHEX antisense RNA; minus strand). Cytogenetic location: Xp22.11.
Variant type: Deletion.
Coding change: c.2147+2_2147+9del on transcript NM_000444.6 (MANE Select); the canonical splice donor site of the intron after coding-DNA position 2147 through 9 bases into the intron after coding-DNA position 2147, 8 bases deleted (TAAATGGG; older notation c.2147+2_2147+9delTAAATGGG).
Molecular consequence: splice donor variant. On other transcripts: intron variant (1).
Genome position (GRCh38, 1-based): chrX:22,245,411-22,245,418, TAAATGGG deleted; deleting any 8 consecutive bases within chrX:22,245,409-22,245,418 gives the same sequence; the c. name uses the placement nearest the transcript's 3' end. VCF-style (leftmost placement, unchanged base first): chrX-22245408-AGGTAAATG-A. GRCh37 (hg19) VCF-style: chrX-22263525-AGGTAAATG-A.
Other names: c.2071-2440_2071-2433del (NM_001282754.2); c.2147+2_2147+9delTAAATGGG (NM_000444.4).
Identifiers: ClinVar variation 423450 (VCV000423450.10), dbSNP rs1064796434, ClinGen allele CA16621343.

ClinVar aggregate classification (germline): Pathogenic. Review status: criteria provided, multiple submitters, no conflicts (2 of 4 stars). 2 submissions from 2 submitters: Pathogenic (2). Last evaluated 2024-02-24.

Submissions (2):

Labcorp Genetics (formerly Invitae), Labcorp
Classification: Pathogenic. Last evaluated: 2024-02-24. Review status: criteria provided, single submitter. Criteria: Invitae Variant Classification Sherloc (09022015). Collection method: clinical testing. Allele origin: germline.
Comment: This sequence change affects a splice site in intron 21 of the PHEX gene. While this variant is not anticipated to result in nonsense mediated decay, it likely alters RNA splicing and results in a disrupted protein product. This variant is not present in population databases (gnomAD no frequency). Disruption of this splice site has been observed in individual(s) with hypophosphatemia (PMID: 26051471, 28397222; Invitae). ClinVar contains an entry for this variant (Variation ID: 423450). Variants that disrupt the consensus splice site are a relatively common cause of aberrant splicing (PMID: 17576681, 9536098). Algorithms developed to predict the effect of sequence changes on RNA splicing suggest that this variant may disrupt the consensus splice site. For these reasons, this variant has been classified as Pathogenic.

GeneDx
Classification: Pathogenic. Last evaluated: 2017-02-07. Review status: criteria provided, single submitter. Criteria: GeneDx Variant Classification (06012015). Collection method: clinical testing. Allele origin: germline. Affected: yes.
Comment: The c.2147+2_2147+9delTAAATGGG splice site variant in the PHEX gene destroys the canonical splice donor site in intron 21. It is predicted to cause abnormal gene splicing, either leading to an abnormal message that is subject to nonsense-mediated mRNA decay, or to an abnormal protein product if the message is used for protein translation. In addition, c.2147+2_2147+9delTAAATGGG splice variant was not observed in approximately 6,500 individuals of European and African American ancestry in the NHLBI Exome Sequencing Project, indicating it is not a common benign variant in these populations.

Literature cited by the submitters: PubMed 26051471 (cited by Labcorp Genetics (formerly Invitae), Labcorp); PubMed 28397222 (cited by Labcorp Genetics (formerly Invitae), Labcorp); PubMed 17576681 (cited by Labcorp Genetics (formerly Invitae), Labcorp); PubMed 9536098 (cited by Labcorp Genetics (formerly Invitae), Labcorp).